The following is an entry in ClinVar:

NM_000051.4(ATM):c.7927+1G>A

Genes: C11orf65 (chromosome 11 open reading frame 65; minus strand), ATM (ATM serine/threonine kinase; plus strand). Cytogenetic location: 11q22.3.
Variant type: single nucleotide variant.
Coding change: c.7927+1G>A on transcript NM_000051.4 (MANE Select); the canonical splice donor site of the intron after coding-DNA position 7927, G replaced by A.
Molecular consequence: splice donor variant. On other transcripts: intron variant (2).
Genome position (GRCh38, 1-based): chr11:108,332,901, G>A. VCF-style: chr11-108332901-G-A. GRCh37 (hg19) VCF-style: chr11-108203628-G-A.
Other names: c.7927+1G>A (NM_001351834.2); c.641-23830C>T (NM_001330368.2); c.*38+2319C>T (NM_001351110.2).
Identifiers: ClinVar variation 950846 (VCV000950846.10), dbSNP rs1555125532, ClinGen allele CA382561531.

ClinVar aggregate classification (germline): Likely pathogenic. Review status: criteria provided, multiple submitters, no conflicts (2 of 4 stars). 2 submissions from 2 submitters: Likely pathogenic (2). Last evaluated 2023-08-03.

Conditions:
Hereditary cancer-predisposing syndrome. Also called: Tumor predisposition; Neoplastic Syndromes, Hereditary; Hereditary neoplastic syndrome; Hereditary Cancer Syndrome. Identifiers: Orphanet 140162, MedGen C0027672, MeSH D009386, MONDO:0015356.
Ataxia-telangiectasia syndrome (AT). Also called: Ataxia-telangiectasia, complementation group D; AT, COMPLEMENTATION GROUP C; ATAXIA-TELANGIECTASIA, COMPLEMENTATION GROUP A; ATAXIA-TELANGIECTASIA, FRESNO VARIANT; Ataxia-telangiectasia; Ataxia telangiectasia (A-T). Identifiers: Orphanet 100, MedGen C0004135, MONDO:0008840, OMIM 208900.

Submissions (2):

Ambry Genetics
Classification: Likely pathogenic for Hereditary cancer-predisposing syndrome. Last evaluated: 2023-08-03. Review status: criteria provided, single submitter. Criteria: Ambry Variant Classification Scheme 2023. Collection method: clinical testing. Allele origin: germline.
Comment: The c.7927+1G>A intronic variant results from a G to A substitution one nucleotide after coding exon 52 of the ATM gene. This nucleotide position is highly conserved in available vertebrate species. In silico splice site analysis predicts that this alteration will weaken the native splice donor site. Alterations that disrupt the canonical splice site are expected to cause aberrant splicing, resulting in an abnormal protein or a transcript that is subject to nonsense-mediated mRNA decay. As such, this alteration is classified as likely pathogenic.

Labcorp Genetics (formerly Invitae), Labcorp
Classification: Likely pathogenic for Ataxia-telangiectasia syndrome. Last evaluated: 2020-12-24. Review status: criteria provided, single submitter. Criteria: Invitae Variant Classification Sherloc (09022015). Collection method: clinical testing. Allele origin: germline.
Comment: Donor and acceptor splice site variants typically lead to a loss of protein function (PMID: 16199547), and loss-of-function variants in ATM are known to be pathogenic (PMID: 23807571, 25614872). In summary, the currently available evidence indicates that the variant is pathogenic, but additional data are needed to prove that conclusively. Therefore, this variant has been classified as Likely Pathogenic. This variant has not been reported in the literature in individuals with ATM-related conditions. This sequence change affects a donor splice site in intron 53 of the ATM gene. It is expected to disrupt RNA splicing and likely results in an absent or disrupted protein product. This variant is not present in population databases (ExAC no frequency).

Literature cited by the submitters: PubMed 16199547 (cited by Labcorp Genetics (formerly Invitae), Labcorp); PubMed 23807571 (cited by Labcorp Genetics (formerly Invitae), Labcorp); PubMed 25614872 (cited by Labcorp Genetics (formerly Invitae), Labcorp).